The following is an entry in ClinVar:

NM_025103.4(IFT74):c.525+2T>G

Gene: IFT74 (intraflagellar transport 74; plus strand). Cytogenetic location: 9p21.2.
Variant type: single nucleotide variant.
Coding change: c.525+2T>G on transcript NM_025103.4 (MANE Select); the canonical splice donor site of the intron after coding-DNA position 525, T replaced by G.
Molecular consequence: splice donor variant.
Genome position (GRCh38, 1-based): chr9:26,988,730, T>G. VCF-style: chr9-26988730-T-G. GRCh37 (hg19) VCF-style: chr9-26988728-T-G.
Other names: c.525+2T>G (NM_001099223.3, NM_001099222.3, NM_001349928.2 and 1 more transcripts).
Identifiers: ClinVar variation 4731039 (VCV004731039.1).

ClinVar aggregate classification (germline): Likely pathogenic (1 of 4 stars; one submission).

Submission:

Labcorp Genetics (formerly Invitae), Labcorp
Classification: Likely pathogenic. Last evaluated: 2025-11-11. Review status: criteria provided, single submitter. Criteria: Invitae Variant Classification Sherloc (09022015). Collection method: clinical testing. Allele origin: germline.
Comment: This sequence change affects a donor splice site in intron 7 of the IFT74 gene. It is expected to disrupt RNA splicing. Variants that disrupt the donor or acceptor splice site typically lead to a loss of protein function (PMID: 16199547), and loss-of-function variants in IFT74 are known to be pathogenic (PMID: 33531668). This variant is not present in population databases (gnomAD no frequency). This variant has not been reported in the literature in individuals affected with IFT74-related conditions. Algorithms developed to predict the effect of sequence changes on RNA splicing suggest that this variant may disrupt the consensus splice site. In summary, the currently available evidence indicates that the variant is pathogenic, but additional data are needed to prove that conclusively. Therefore, this variant has been classified as Likely Pathogenic.

Literature cited by the submitters: PubMed 16199547; PubMed 33531668.